The following is an entry in ClinVar:

NM_017947.4(MOCOS):c.1718G>A (p.Gly573Glu)

Gene: MOCOS (molybdenum cofactor sulfurase; plus strand). Cytogenetic location: 18q12.2.
Variant type: single nucleotide variant.
Coding change: c.1718G>A on transcript NM_017947.4 (MANE Select); coding-DNA position 1718, G replaced by A.
Protein change: p.Gly573Glu; replaces glycine 573 with glutamic acid.
Molecular consequence: missense variant.
Genome position (GRCh38, 1-based): chr18:36,215,898, G>A. VCF-style: chr18-36215898-G-A. GRCh37 (hg19) VCF-style: chr18-33795861-G-A.
Other names: short protein forms G573E.
Identifiers: ClinVar variation 654064 (VCV000654064.10), dbSNP rs771741997, ClinGen allele CA8940808.

ClinVar aggregate classification (germline): Uncertain significance. Review status: criteria provided, multiple submitters, no conflicts (2 of 4 stars). 3 submissions from 3 submitters: Uncertain significance (3). Last evaluated 2024-03-01.

Conditions:
Xanthinuria type II. Also called: Xanthine dehydrogenase and aldehyde oxidase combined deficiency of; XDH and AOX dual deficiency. Identifiers: Orphanet 3467, Orphanet 93602, MedGen C1863688, MONDO:0011346, OMIM 603592.

Allele frequency attached by ClinVar (database versions not stated): gnomAD exomes below 0.00001; ExAC 0.00001; gnomAD 0.00005 and 0.00006; TOPMed 0.00009.
gnomAD v4.1: 11 of 1,613,810 alleles (0.00068%); highest among the groups gnomAD compares: Admixed American, 0.01%; no homozygotes.

Submissions (3):

Ambry Genetics
Classification: Uncertain significance. Last evaluated: 2024-03-01. Review status: criteria provided, single submitter. Criteria: Ambry Variant Classification Scheme 2023. Collection method: clinical testing. Allele origin: germline.

Labcorp Genetics (formerly Invitae), Labcorp
Classification: Uncertain significance for Xanthinuria type II. Last evaluated: 2022-06-03. Review status: criteria provided, single submitter. Criteria: Invitae Variant Classification Sherloc (09022015). Collection method: clinical testing. Allele origin: germline.
Comment: This variant is present in population databases (rs771741997, gnomAD 0.007%). In summary, the available evidence is currently insufficient to determine the role of this variant in disease. Therefore, it has been classified as a Variant of Uncertain Significance. Algorithms developed to predict the effect of missense changes on protein structure and function (SIFT, PolyPhen-2, Align-GVGD) all suggest that this variant is likely to be tolerated. ClinVar contains an entry for this variant (Variation ID: 654064). This variant has not been reported in the literature in individuals affected with MOCOS-related conditions. This sequence change replaces glycine, which is neutral and non-polar, with glutamic acid, which is acidic and polar, at codon 573 of the MOCOS protein (p.Gly573Glu).

Fulgent Genetics
Classification: Uncertain significance for Xanthinuria type II. Last evaluated: 2022-03-04. Review status: criteria provided, single submitter. Criteria: ACMG Guidelines, 2015. Collection method: clinical testing. Allele origin: unknown.